The following is an entry in ClinVar:

ClinVar aggregate classification (germline): Conflicting classifications of pathogenicity. Review status: criteria provided, conflicting classifications (1 of 4 stars). 13 submissions from 9 submitters: Uncertain significance (8); Benign (2); Likely benign (3). Last evaluated 2026-09-21.

Conditions:
TTN-related disorder. Also called: TTN-related disorders; TTN-related condition; TTN-related disease.
Cardiovascular phenotype. Identifiers: MedGen CN230736.
Myopathy, myofibrillar, 9, with early respiratory failure (MFM9). Also called: Hereditary myopathy with early respiratory failure; Myopathy, distal, with early respiratory failure, autosomal dominant; EDSTROM MYOPATHY; MYOPATHY, PROXIMAL, WITH EARLY RESPIRATORY MUSCLE INVOLVEMENT. Identifiers: Orphanet 178464, Orphanet 34521, MedGen C1863599, MONDO:0011362, OMIM 603689.
Early-onset myopathy with fatal cardiomyopathy (CMYO5). Also called: Salih Myopathy; CONGENITAL MYOPATHY 5 WITH CARDIOMYOPATHY. Identifiers: Orphanet 289377, MedGen C2673677, MONDO:0012714, OMIM 611705. Disease mechanism: loss of function.
Dilated cardiomyopathy 1G (CMD1G). Identifiers: Orphanet 154, MedGen C1858763, MONDO:0011400, OMIM 604145.
Tibial muscular dystrophy (TMD). Also called: UDD MYOPATHY; Tibial muscular dystrophy, tardive; Udd Distal Myopathy – Tibial Muscular Dystrophy. Identifiers: Orphanet 609, MedGen C1838244, MONDO:0010870, OMIM 600334.
Autosomal recessive limb-girdle muscular dystrophy type 2J (LGMDR10). Also called: Limb-girdle muscular dystrophy, type 2J; MUSCULAR DYSTROPHY, LIMB-GIRDLE, AUTOSOMAL RECESSIVE 10. Identifiers: Orphanet 140922, MedGen C1837342, MONDO:0012127, OMIM 608807.

Allele frequency attached by ClinVar (database versions not stated): gnomAD 0.00030 and 0.00027; TOPMed 0.00029; ExAC 0.00010; ESP Exome Variant Server 0.00024; 1000 Genomes Project 0.00060; gnomAD exomes 0.00002 and 0.00007; 1000 Genomes Project 30x 0.00047.
gnomAD v4.1: 70 of 1,612,866 alleles (0.0043%); highest among the groups gnomAD compares: African/African-American, 0.061%; no homozygotes.

Submissions (13):

Molecular Diagnostic Laboratory for Inherited Cardiovascular Disease, Montreal Heart Institute
Classification: Likely benign. Last evaluated: 2026-09-21. Review status: criteria provided, single submitter. Criteria: ACMG Guidelines, 2015. Collection method: clinical testing. Allele origin: germline. Affected: no.

PreventionGenetics, part of Exact Sciences
Classification: Uncertain significance for TTN-related condition. Last evaluated: 2026-08-14. Review status: criteria provided, single submitter. Criteria: ACMG Guidelines, 2015. Collection method: clinical testing. Allele origin: germline.
Comment: The TTN c.70906C>T variant is predicted to result in the amino acid substitution p.Arg23636Cys. To our knowledge, this variant has not been reported in the literature. This variant is reported in 0.083% of alleles in individuals of African descent in gnomAD. Although we suspect that this variant may be benign, at this time, the clinical significance of this variant is uncertain due to the absence of conclusive functional and genetic evidence.

Revvity Omics, Revvity
Classification: Uncertain significance. Last evaluated: 2023-03-01. Review status: criteria provided, single submitter. Criteria: ACMG Guidelines, 2015. Collection method: clinical testing. Allele origin: germline.

Women's Health and Genetics/Laboratory Corporation of America, LabCorp
Classification: Likely benign. Last evaluated: 2022-11-21. Review status: criteria provided, single submitter. Criteria: LabCorp Variant Classification Summary - May 2015. Collection method: clinical testing. Allele origin: germline.
Comment: Variant summary: TTN c.63202C>T (p.Arg21068Cys) results in a non-conservative amino acid change located in the A-band domain of the encoded protein sequence. Three of four in-silico tools predict a damaging effect of the variant on protein function. The variant allele was found at a frequency of 6.9e-05 in 246984 control chromosomes, predominantly at a frequency of 0.00084 within the African or African-American subpopulation in the gnomAD database. The observed variant frequency within African or African-American control individuals in the gnomAD database is approximately 2 fold of the estimated maximal expected allele frequency for a pathogenic variant in TTN causing Dilated Cardiomyopathy phenotype (0.00039), strongly suggesting that the variant is a benign polymorphism found primarily in populations of African or African-American origin. To our knowledge, no occurrence of c.63202C>T in individuals affected with Dilated Cardiomyopathy and no experimental evidence demonstrating its impact on protein function have been reported. Four ClinVar submitters (evaluation after 2014) cite this variant as uncertain significance (n=2), likely benign (n=1) and benign (n=1). Based on the evidence outlined above, the variant was classified as likely benign.

Laboratorio de Genetica e Diagnostico Molecular, Hospital Israelita Albert Einstein
Classification: Uncertain significance for Dilated cardiomyopathy 1G. Last evaluated: 2022-06-06. Review status: criteria provided, single submitter. Criteria: ACMG Guidelines, 2015. Collection method: clinical testing. Allele origin: germline. Affected: yes. Observed: 1 variant allele.
Comment: ACMG classification criteria: BP4 supporting

Ambry Genetics
Classification: Uncertain significance for Cardiovascular phenotype. Last evaluated: 2019-09-16. Review status: criteria provided, single submitter. Criteria: Ambry Variant Classification Scheme 2023. Collection method: clinical testing. Allele origin: germline.
Comment: The p.R14571C variant (also known as c.43711C>T), located in coding exon 153 of the TTN gene, results from a C to T substitution at nucleotide position 43711. The arginine at codon 14571 is replaced by cysteine, an amino acid with highly dissimilar properties. This amino acid position is highly conserved in available vertebrate species. In addition, the in silico prediction for this alteration is inconclusive. Since supporting evidence is limited at this time, the clinical significance of this alteration remains unclear.

GeneDx
Classification: Likely benign. Last evaluated: 2019-08-21. Review status: criteria provided, single submitter. Criteria: GeneDx Variant Classification Process June 2021. Collection method: clinical testing. Allele origin: germline. Affected: yes.

Illumina Laboratory Services, Illumina
Classification: Benign for Myopathy, myofibrillar, 9, with early respiratory failure. Last evaluated: 2018-01-13. Review status: criteria provided, single submitter. Criteria: ICSL Variant Classification Criteria 13 December 2019. Collection method: clinical testing. Allele origin: germline.
Comment: This variant was observed in the ICSL laboratory as part of a predisposition screen in an ostensibly healthy population. It had not been previously curated by ICSL or reported in the Human Gene Mutation Database (HGMD: prior to June 1st, 2018), and was therefore a candidate for classification through an automated scoring system. Utilizing variant allele frequency, disease prevalence and penetrance estimates, and inheritance mode, an automated score was calculated to assess if this variant is too frequent to cause the disease. Based on the score and internal cut-off values, a variant classified as benign is not then subjected to further curation. The score for this variant resulted in a classification of benign for this disease.

Illumina Laboratory Services, Illumina
Classification: Uncertain significance for Dilated cardiomyopathy 1G. Last evaluated: 2018-01-13. Review status: criteria provided, single submitter. Criteria: ICSL Variant Classification Criteria 13 December 2019. Collection method: clinical testing. Allele origin: germline.

Illumina Laboratory Services, Illumina
Classification: Uncertain significance for Autosomal recessive limb-girdle muscular dystrophy type 2J. Last evaluated: 2018-01-13. Review status: criteria provided, single submitter. Criteria: ICSL Variant Classification Criteria 13 December 2019. Collection method: clinical testing. Allele origin: germline.

Illumina Laboratory Services, Illumina
Classification: Benign for Tibial muscular dystrophy. Last evaluated: 2018-01-13. Review status: criteria provided, single submitter. Criteria: ICSL Variant Classification Criteria 13 December 2019. Collection method: clinical testing. Allele origin: germline.
Comment: the same text as in the submission from Illumina Laboratory Services, Illumina above.

Illumina Laboratory Services, Illumina
Classification: Uncertain significance for Early-onset myopathy with fatal cardiomyopathy. Last evaluated: 2018-01-13. Review status: criteria provided, single submitter. Criteria: ICSL Variant Classification Criteria 13 December 2019. Collection method: clinical testing. Allele origin: germline.

Athena Diagnostics
Classification: Uncertain significance. Last evaluated: 2017-06-16. Review status: criteria provided, single submitter. Criteria: Athena Diagnostics Criteria. Collection method: clinical testing. Allele origin: germline.

NM_001267550.2(TTN):c.70906C>T (p.Arg23636Cys)

Genes: TTN-AS1 (TTN antisense RNA 1; plus strand), TTN (titin; minus strand). Cytogenetic location: 2q31.2.
Variant type: single nucleotide variant.
Coding change: c.70906C>T on transcript NM_001267550.2 (MANE Select); coding-DNA position 70906, C replaced by T.
Protein change: p.Arg23636Cys; replaces arginine 23636 with cysteine.
Molecular consequence: missense variant.
Genome position (GRCh38, 1-based): chr2:178,575,226, G>A on the plus strand (C>T on the coding strand, the complement: TTN is on the minus strand). VCF-style: chr2-178575226-G-A. GRCh37 (hg19) VCF-style: chr2-179439953-G-A.
Other names: c.70906C>T (LRG_391t1); c.65983C>T, p.Arg21995Cys (NM_001256850.1); c.43711C>T, p.Arg14571Cys (NM_003319.4); c.63202C>T, p.Arg21068Cys (NM_133378.4); c.44086C>T, p.Arg14696Cys (NM_133432.3); c.44287C>T, p.Arg14763Cys (NM_133437.4); short protein forms R23636C, R14696C, R14763C, R21995C, R14571C, R21068C.
Identifiers: ClinVar variation 448816 (VCV000448816.14), dbSNP rs189208539, ClinGen allele CA1990707.
Genomic context (GRCh38, chr2:178,575,226, plus strand): 5'-GAATTTCAACTTTGATGTTGTCACCAGCTTTGGCAATGACCAGTTTCTGATAGATGCCAC[G>A]GAGATCCAGCTCTGGAAGCATTGTCTGCTCCTTGACAATGACGGGTCTGCTTTCTCTAGG-3'
Protein context (NP_001254479.2, residues 23626-23646): EQTMLPELDL[Arg23636Cys]GIYQKLVIAK